The following is an entry in ClinVar:

ClinVar aggregate classification (germline): Uncertain significance (1 of 4 stars; one submission).

Submission:

GeneDx
Classification: Uncertain significance. Last evaluated: 2026-02-05. Review status: criteria provided, single submitter. Criteria: GeneDx Variant Classification Process June 2021. Collection method: clinical testing. Allele origin: germline.
Comment: Not observed at significant frequency in large population cohorts (gnomAD); In silico analysis supports that this missense variant has a deleterious effect on protein structure/function; Has not been previously published as pathogenic or benign to our knowledge

NM_016239.4(MYO15A):c.4106G>A (p.Ser1369Asn)

Gene: MYO15A (myosin XVA; plus strand). Cytogenetic location: 17p11.2.
Variant type: single nucleotide variant.
Coding change: c.4106G>A on transcript NM_016239.4 (MANE Select); coding-DNA position 4106, G replaced by A.
Protein change: p.Ser1369Asn; replaces serine 1369 with asparagine.
Molecular consequence: missense variant.
Genome position (GRCh38, 1-based): chr17:18,131,306, G>A. VCF-style: chr17-18131306-G-A. GRCh37 (hg19) VCF-style: chr17-18034620-G-A.
Other names: short protein forms S1369N.
Identifiers: ClinVar variation 4975316 (VCV004975316.1).
Genomic context (GRCh38, chr17:18,131,306, plus strand): 5'-AGGCAACACCCCTCTTGGAGTCCTTCGGTAATGCCAAAACCGTCAGGAACGACAACTCCA[G>A]CCGCTTTGGGAAGTTTGTGGAAATCTTTCTGGAAGGGTGAGTTGGGACAGTGGAGGGCCT-3'
Protein context (NP_057323.3, residues 1359-1379): NAKTVRNDNS[Ser1369Asn]RFGKFVEIFL